The following is an entry in ClinVar:

NM_000264.5(PTCH1):c.2004C>T (p.Tyr668=)

Genes: PTCH1 (patched 1; minus strand), LOC100507346 (uncharacterized LOC100507346; plus strand). Cytogenetic location: 9q22.32.
Variant type: single nucleotide variant.
Coding change: c.2004C>T on transcript NM_000264.5 (MANE Select); coding-DNA position 2004, C replaced by T.
Protein change: p.Tyr668=; no amino-acid change (tyrosine 668 retained).
Molecular consequence: synonymous variant. On other transcripts: non-coding transcript variant (2).
Genome position (GRCh38, 1-based): chr9:95,468,997, G>A on the plus strand (C>T on the coding strand, the complement: PTCH1 is on the minus strand). VCF-style: chr9-95468997-G-A. GRCh37 (hg19) VCF-style: chr9-98231279-G-A.
Other names: c.1806C>T, p.Tyr602= (NM_001083602.3); c.2001C>T, p.Tyr667= (NM_001083603.3); c.1551C>T, p.Tyr517= (NM_001083604.3, NM_001083605.3, NM_001083606.3 and 1 more transcripts); c.1848C>T, p.Tyr616= (NM_001354918.2).
Identifiers: ClinVar variation 135874 (VCV000135874.50), dbSNP rs151216961, ClinGen allele CA332468.
Genomic context (GRCh38, chr9:95,468,997, plus strand): 5'-CTGCACAGAGATCTCGGAGCGCGGCTCAGCGGTGGTGTAGTACACGTGCGTGTGGGGGTC[G>A]TACTCCGTGCGGAGCTGGACAGTGGACTGCATGGTAATCTGCGTTTCATGGGCAAAGCTG-3'
Protein context (NP_000255.2, residues 658-678): MQSTVQLRTE[Tyr668=]DPHTHVYYTT

ClinVar aggregate classification (germline): Benign/Likely benign. Review status: criteria provided, multiple submitters, no conflicts (2 of 4 stars). 13 submissions from 12 submitters: Benign (3); Likely benign (9). 1 of the submissions does not count toward it. Last evaluated 2026-06-01.

Conditions:
Holoprosencephaly 7 (HPE7). Identifiers: Orphanet 2162, MedGen C1835820, MONDO:0012562, OMIM 610828.
Basal cell nevus syndrome 1 (BCNS1). Also called: GORLIN-GOLTZ SYNDROME; MULTIPLE BASAL CELL NEVI, ODONTOGENIC KERATOCYSTS, AND SKELETAL ANOMALIES. Identifiers: MedGen CN376810, MONDO:0958174, OMIM 109400.
Basal cell carcinoma, susceptibility to, 1. Also called: BCC1. Identifiers: MedGen C2751544, MONDO:0011556, OMIM 605462.
Hereditary cancer-predisposing syndrome. Also called: Tumor predisposition; Hereditary neoplastic syndrome; Hereditary Cancer Syndrome; Neoplastic Syndromes, Hereditary. Identifiers: Orphanet 140162, MedGen C0027672, MeSH D009386, MONDO:0015356.
Gorlin syndrome. Also called: Basal cell nevus syndrome; Nevoid Basal Cell Carcinoma Syndrome. Identifiers: Orphanet 377, MedGen C0004779, MONDO:0007187.
PTCH1-related disorder. Also called: PTCH1-related disorders; PTCH1-related condition.

Allele frequency attached by ClinVar (database versions not stated): gnomAD 0.00035 and 0.00025; gnomAD exomes 0.00048 and 0.00057; 1000 Genomes Project 30x 0.00016; 1000 Genomes Project 0.00020; TOPMed 0.00027; ExAC 0.00061; ESP Exome Variant Server 0.00062.
gnomAD v4.1: 762 of 1,614,024 alleles (0.047%); highest among the groups gnomAD compares: Middle Eastern, 0.33%; 3 homozygotes.

Submissions (13):

CeGaT Center for Human Genetics Tuebingen
Classification: Likely benign. Last evaluated: 2026-06-01. Review status: criteria provided, single submitter. Criteria: CeGaT Center For Human Genetics Tuebingen Variant Classification Criteria Version 2. Collection method: clinical testing. Allele origin: germline. Affected: yes. Observed: 8 variant alleles.
Comment: PTCH1: BP4, BP7, BS1

Labcorp Genetics (formerly Invitae), Labcorp
Classification: Benign for Gorlin syndrome. Last evaluated: 2026-02-04. Review status: criteria provided, single submitter. Criteria: Invitae Variant Classification Sherloc (09022015). Collection method: clinical testing. Allele origin: germline.

Center for Genomic Medicine, Rigshospitalet, Copenhagen University Hospital
Classification: Likely benign. Last evaluated: 2025-12-29. Review status: criteria provided, single submitter. Criteria: ACMG Guidelines, 2015. Collection method: clinical testing. Allele origin: germline.

Blueprint Genetics
Classification: Likely benign. Last evaluated: 2024-11-14. Review status: criteria provided, single submitter. Criteria: ACMG Guidelines, 2015. Collection method: clinical testing. Allele origin: germline.

KCCC/NGS Laboratory, Kuwait Cancer Control Center
Classification: Benign for Basal cell nevus syndrome 1. Last evaluated: 2023-07-07. Review status: criteria provided, single submitter. Criteria: ACMG Guidelines, 2015. Collection method: clinical testing. Allele origin: germline. Affected: yes.

Department of Pathology and Laboratory Medicine, Sinai Health System
Classification: Likely benign for Basal cell nevus syndrome 1; Basal cell carcinoma, susceptibility to, 1; Holoprosencephaly 7. Last evaluated: 2023-02-10. Review status: criteria provided, single submitter. Criteria: ACMG Guidelines, 2015. Collection method: clinical testing. Allele origin: germline. Affected: no.

Sema4
Classification: Likely benign for Hereditary cancer-predisposing syndrome. Last evaluated: 2021-05-10. Review status: criteria provided, single submitter. Criteria: Sema4 Curation Guidelines. Collection method: curation. Allele origin: germline.

GeneDx
Classification: Likely benign. Last evaluated: 2020-11-09. Review status: criteria provided, single submitter. Criteria: GeneDx Variant Classification Process June 2021. Collection method: clinical testing. Allele origin: germline. Affected: yes.

Illumina Laboratory Services, Illumina
Classification: Benign for Basal cell nevus syndrome 1. Last evaluated: 2018-01-13. Review status: criteria provided, single submitter. Criteria: ICSL Variant Classification Criteria 13 December 2019. Collection method: clinical testing. Allele origin: germline.
Comment: This variant was observed in the ICSL laboratory as part of a predisposition screen in an ostensibly healthy population. It had not been previously curated by ICSL or reported in the Human Gene Mutation Database (HGMD: prior to June 1st, 2018), and was therefore a candidate for classification through an automated scoring system. Utilizing variant allele frequency, disease prevalence and penetrance estimates, and inheritance mode, an automated score was calculated to assess if this variant is too frequent to cause the disease. Based on the score and internal cut-off values, a variant classified as benign is not then subjected to further curation. The score for this variant resulted in a classification of benign for this disease.

Illumina Laboratory Services, Illumina
Classification: Likely benign for Holoprosencephaly 7. Last evaluated: 2018-01-13. Review status: criteria provided, single submitter. Criteria: ICSL Variant Classification Criteria 13 December 2019. Collection method: clinical testing. Allele origin: germline.
Comment: This variant was observed in the ICSL laboratory as part of a predisposition screen in an ostensibly healthy population. It had not been previously curated by ICSL or reported in the Human Gene Mutation Database (HGMD: prior to June 1st, 2018), and was therefore a candidate for classification through an automated scoring system. Utilizing variant allele frequency, disease prevalence and penetrance estimates, and inheritance mode, an automated score was calculated to assess if this variant is too frequent to cause the disease. Based on the score and internal cut-off values, a variant classified as likely benign is not then subjected to further curation. The score for this variant resulted in a classification of likely benign for this disease.

Ambry Genetics
Classification: Likely benign for Hereditary cancer-predisposing syndrome. Last evaluated: 2017-03-08. Review status: criteria provided, single submitter. Criteria: Ambry Variant Classification Scheme 2023. Collection method: clinical testing. Allele origin: germline.

Breakthrough Genomics
Classification: Likely benign. Review status: criteria provided, single submitter. Criteria: ACMG Guidelines, 2015. Collection method: not provided. Allele origin: germline. Inheritance: Autosomal dominant inheritance. Affected: yes.

PreventionGenetics, part of Exact Sciences
Classification: Likely benign for PTCH1-related condition. Last evaluated: 2021-06-02. Review status: no assertion criteria provided. Collection method: clinical testing. Allele origin: germline. Not counted in ClinVar's aggregate classification.
Comment: This variant is classified as likely benign based on ACMG/AMP sequence variant interpretation guidelines (Richards et al. 2015 PMID: 25741868, with internal and published modifications).